The following is an entry in ClinVar:

ClinVar aggregate classification (germline): Conflicting classifications of pathogenicity. Review status: criteria provided, conflicting classifications (1 of 4 stars). 3 submissions from 3 submitters: Uncertain significance (1); Likely benign (1). 1 of the submissions does not count toward it. Last evaluated 2026-02-22.

Conditions:
Cardiovascular phenotype. Identifiers: MedGen CN230736.
ENG-related disorder. Also called: ENG-related condition; ENG-related disorders.
Hereditary hemorrhagic telangiectasia (HHT). Also called: ORW DISEASE; Osler Weber Rendu syndrome; OSLER-RENDU-WEBER DISEASE; Osler hemorrhagic telangiectasia syndrome. Identifiers: Orphanet 774, MedGen C0039445, MONDO:0019180. Disease mechanism: loss of function.

gnomAD v4.1: 3 of 1,614,136 alleles (0.00019%); highest among the groups gnomAD compares: Admixed American, 0.005%; no homozygotes.

Submissions (3):

Ambry Genetics
Classification: Likely benign for Cardiovascular phenotype. Last evaluated: 2026-02-22. Review status: criteria provided, single submitter. Criteria: Ambry Variant Classification Scheme 2023. Collection method: clinical testing. Allele origin: germline.

Labcorp Genetics (formerly Invitae), Labcorp
Classification: Uncertain significance for Hereditary hemorrhagic telangiectasia. Last evaluated: 2025-09-13. Review status: criteria provided, single submitter. Criteria: Invitae Variant Classification Sherloc (09022015). Collection method: clinical testing. Allele origin: germline.
Comment: This sequence change replaces alanine, which is neutral and non-polar, with valine, which is neutral and non-polar, at codon 463 of the ENG protein (p.Ala463Val). This variant is present in population databases (rs761065794, gnomAD 0.009%). This variant has not been reported in the literature in individuals affected with ENG-related conditions. ClinVar contains an entry for this variant (Variation ID: 3354908). Invitae Evidence Modeling of protein sequence and biophysical properties (such as structural, functional, and spatial information, amino acid conservation, physicochemical variation, residue mobility, and thermodynamic stability) indicates that this missense variant is expected to disrupt ENG protein function with a positive predictive value of 80%. In summary, the available evidence is currently insufficient to determine the role of this variant in disease. Therefore, it has been classified as a Variant of Uncertain Significance.

PreventionGenetics, part of Exact Sciences
Classification: Uncertain significance for ENG-related condition. Last evaluated: 2024-08-19. Review status: no assertion criteria provided. Collection method: clinical testing. Allele origin: germline. Not counted in ClinVar's aggregate classification.
Comment: The ENG c.1388C>T variant is predicted to result in the amino acid substitution p.Ala463Val. To our knowledge, this variant has not been reported in the literature. This variant is reported in 0.0087% of alleles in individuals of Latino descent in gnomAD. At this time, the clinical significance of this variant is uncertain due to the absence of conclusive functional and genetic evidence.

NM_001114753.3(ENG):c.1388C>T (p.Ala463Val)

Genes: ENG (endoglin; minus strand), LOC102723566 (uncharacterized LOC102723566; plus strand). Cytogenetic location: 9q34.11.
Variant type: single nucleotide variant.
Coding change: c.1388C>T on transcript NM_001114753.3 (MANE Select); coding-DNA position 1388, C replaced by T.
Protein change: p.Ala463Val; replaces alanine 463 with valine.
Molecular consequence: missense variant.
Genome position (GRCh38, 1-based): chr9:127,818,756, G>A on the plus strand (C>T on the coding strand, the complement: ENG is on the minus strand). VCF-style: chr9-127818756-G-A. GRCh37 (hg19) VCF-style: chr9-130581035-G-A.
Other names: c.1388C>T, p.Ala463Val (NM_000118.4); c.842C>T, p.Ala281Val (NM_001278138.2); c.1388C>T (NM_001114753.1); short protein forms A281V, A463V.
Identifiers: ClinVar variation 3354908 (VCV003354908.3).